The following is an entry in ClinVar:

NM_000383.4(AIRE):c.132+2T>C

Gene: AIRE (autoimmune regulator; plus strand). Cytogenetic location: 21q22.3.
Variant type: single nucleotide variant.
Coding change: c.132+2T>C on transcript NM_000383.4 (MANE Select); the canonical splice donor site of the intron after coding-DNA position 132, T replaced by C.
Molecular consequence: splice donor variant.
Genome position (GRCh38, 1-based): chr21:44,286,140, T>C. VCF-style: chr21-44286140-T-C. GRCh37 (hg19) VCF-style: chr21-45706023-T-C.
Identifiers: ClinVar variation 2001931 (VCV002001931.4), dbSNP rs2517875737, ClinGen allele CA410423186.
Genomic context (GRCh38, chr21:44,286,140, plus strand): 5'-CCTTCCCACTGCTGCACGCGCTGGCTGACCACGACGTGGTCCCCGAGGACAAGTTTCAGG[T>C]GGGCTCCCCGCCCGCCCCCCGCTGCCCCCAGGCCCTGTGAGCCAGGGATAGTCCCCGGGG-3'

ClinVar aggregate classification (germline): Likely pathogenic (1 of 4 stars; one submission).

Conditions:
Polyglandular autoimmune syndrome, type 1 (APS1). Also called: PGA I; APS I; HYPOADRENOCORTICISM WITH HYPOPARATHYROIDISM AND SUPERFICIAL MONILIASIS; Autoimmune polyendocrinopathy syndrome , type I, with or without reversible metaphyseal dysplasia; AUTOIMMUNE POLYENDOCRINE SYNDROME, TYPE I, WITH OR WITHOUT REVERSIBLE METAPHYSEAL DYSPLASIA; Whitaker syndrome. Identifiers: Orphanet 3453, MedGen C0085859, MONDO:0009411, OMIM 240300.

Submission:

Labcorp Genetics (formerly Invitae), Labcorp
Classification: Likely pathogenic for Polyglandular autoimmune syndrome, type 1. Last evaluated: 2022-06-02. Review status: criteria provided, single submitter. Criteria: Invitae Variant Classification Sherloc (09022015). Collection method: clinical testing. Allele origin: germline.
Comment: This sequence change affects a donor splice site in intron 1 of the AIRE gene. It is expected to disrupt RNA splicing. Variants that disrupt the donor or acceptor splice site typically lead to a loss of protein function (PMID: 16199547), and loss-of-function variants in AIRE are known to be pathogenic (PMID: 11524731, 26141571). This variant is not present in population databases (gnomAD no frequency). Disruption of this splice site has been observed in individual(s) with AIRE-related conditions (PMID: 31874111). Algorithms developed to predict the effect of sequence changes on RNA splicing suggest that this variant may disrupt the consensus splice site. In summary, the currently available evidence indicates that the variant is pathogenic, but additional data are needed to prove that conclusively. Therefore, this variant has been classified as Likely Pathogenic.

Literature cited by the submitters: PubMed 16199547; PubMed 11524731; PubMed 26141571; PubMed 31874111.